The following is an entry in ClinVar:

NM_000311.5(PRNP):c.598G>A (p.Glu200Lys)

Gene: PRNP (prion protein (Kanno blood group); plus strand). Cytogenetic location: 20p13.
Variant type: single nucleotide variant.
Coding change: c.598G>A on transcript NM_000311.5 (MANE Select); coding-DNA position 598, G replaced by A.
Protein change: p.Glu200Lys; replaces glutamic acid 200 with lysine.
Molecular consequence: missense variant. On other transcripts: 3 prime UTR variant (1).
Genome position (GRCh38, 1-based): chr20:4,699,818, G>A. VCF-style: chr20-4699818-G-A. GRCh37 (hg19) VCF-style: chr20-4680464-G-A.
Other names: c.598G>A, p.Glu200Lys (NM_001080121.3, NM_001080122.3, NM_001080123.3 and 1 more transcripts); c.*287G>A (NM_001271561.3); short protein forms E200K.
Identifiers: ClinVar variation 13398 (VCV000013398.70), dbSNP rs28933385, ClinGen allele CA256778.

ClinVar aggregate classification (germline): Pathogenic. Review status: criteria provided, multiple submitters, no conflicts (2 of 4 stars). 13 submissions from 12 submitters: Pathogenic (10). 3 of the submissions do not count toward it. Last evaluated 2024-09-18.

Conditions:
PRNP-related disorder. Also called: PRNP-related disorders; PRNP-related condition.
Spongiform encephalopathy with neuropsychiatric features. Identifiers: MedGen C1847650, MONDO:0011703, OMIM 606688.
Kuru, susceptibility to. Identifiers: Orphanet 454745, MedGen C1855588, MONDO:0009500, OMIM 245300.
Fatal familial insomnia (FFI). Also called: Fatal Familial Insomnia (FFI). Identifiers: Orphanet 466, MedGen C0206042, MONDO:0010808, OMIM 600072.
Gerstmann-Straussler-Scheinker syndrome (GSD). Also called: GERSTMANN-STRAUSSLER DISEASE; PRION DEMENTIA; Spongiform encephalopathy; Cerebellar ataxia, progressive dementia, and amyloid deposits in the central nervous system; Encephalopathy subacute spongiform Gerstmann-Straussler type; Spinocerebellar ataxia and plaque-like deposits. Identifiers: Orphanet 356, MedGen C0017495, MONDO:0007656, OMIM 137440.
Huntington disease-like 1 (HDL1). Also called: PRION DISEASE, EARLY-ONSET, WITH PROMINENT PSYCHIATRIC FEATURES; HUNTINGTON-LIKE NEURODEGENERATIVE DISORDER 1; HUNTINGTON-LIKE NEURODEGENERATIVE DISORDER, AUTOSOMAL DOMINANT. Identifiers: Orphanet 157941, MedGen C1864112, MONDO:0011299, OMIM 603218.
Inherited Creutzfeldt-Jakob disease. Also called: Creutzfeldt-Jakob Disease, Familial; Genetic Creutzfeldt-Jakob Disease (Genetic CJD). Identifiers: Orphanet 204, Orphanet 282166, Orphanet 454700, MedGen C0751254, MONDO:0007403, OMIM 123400.

Allele frequency attached by ClinVar (database versions not stated): gnomAD exomes below 0.00001 and 0.00001.
gnomAD v4.1: 13 of 1,613,882 alleles (0.00081%); highest among the groups gnomAD compares: Admixed American, 0.0033%; no homozygotes.

Submissions 1 to 9 of 13:

GeneDx
Classification: Pathogenic. Last evaluated: 2024-09-18. Review status: criteria provided, single submitter. Criteria: GeneDx Variant Classification Process June 2021. Collection method: clinical testing. Allele origin: germline. Affected: yes.
Comment: The most common pathogenic variant reported in association with Creutzfeldt-Jakob disease (CJD) (PMID: 1684755, 8614527, 23555862, 8618678, 22584955); Published functional studies demonstrate the variant results in PrP aggregates in brain extracts from transgeneic mice carrying this variant (PMID: 22072968); Mice that were inoculated with brain extract from affected individuals carrying this variant developed prion disease (PMID: 8614527); Not observed at significant frequency in large population cohorts (gnomAD); In silico analysis indicates that this missense variant does not alter protein structure/function; This variant is associated with the following publications: (PMID: 2572450, 20593190, 10360778, 20514992, 10079068, 25149502, 23723004, 25064618, 21094273, 22584955, 25522698, 17494694, 14761942, 23132868, 9813003, 21689662, 22318125, 23966072, 8618678, 20730466, 21552571, 21298055, 23555862, 19543376, 22912570, 20139714, 15366237, 23296137, 14967768, 11756597, 26791950, 27803826, 11839833, 8780103, 19822779, 18176009, 10090891, 19597763, 12197632, 17285519, 30369525, 30369528, 30755683, 30817871, 8614527, 31589614, 31965421, 25279981, 9864731, 32367297, 15459517, 1404799, 36939723, 36975162, 33159724, 37161596, 1684755, 22072968)

3billion
Classification: Pathogenic for Inherited Creutzfeldt-Jakob disease. Last evaluated: 2024-08-06. Review status: criteria provided, single submitter. Criteria: ACMG Guidelines, 2015. Collection method: clinical testing. Allele origin: germline. Affected: yes.
Comment: The variant is observed at an extremely low frequency in the gnomAD v4.0.0 dataset (total allele frequency: <0.001%). Predicted Consequence/Location: Missense changes are a common disease-causing mechanism. In silico tool predictions suggest damaging effect of the variant on gene or gene product [REVEL: 0.76 (>=0.6, sensitivity 0.68 and specificity 0.92); 3Cnet: 0.95 (>=0.6, sensitivity 0.72 and precision 0.9)]. The same nucleotide change resulting in the same amino acid change has been previously reported as pathogenic/likely pathogenic with strong evidence (ClinVar ID: VCV000013398 /PMID: 2572450). The variant has been observed in multiple (>3) similarly affected unrelated individuals (PMID: 11839833, 14967768, 15366237, 20514992, 22584955). A different missense change at the same codon (p.Glu200Gly) has been reported to be associated with PRNP related disorder (PMID: 24330864). Therefore, this variant is classified as Pathogenic according to the recommendation of ACMG/AMP guideline.

Labcorp Genetics (formerly Invitae), Labcorp
Classification: Pathogenic for Huntington disease-like 1. Last evaluated: 2024-06-13. Review status: criteria provided, single submitter. Criteria: Invitae Variant Classification Sherloc (09022015). Collection method: clinical testing. Allele origin: germline.
Comment: This sequence change replaces glutamic acid, which is acidic and polar, with lysine, which is basic and polar, at codon 200 of the PRNP protein (p.Glu200Lys). This variant is present in population databases (rs28933385, gnomAD 0.003%). This missense change has been observed in individuals with Creutzfeldt-Jakob disease (CJD) (PMID: 2572450, 10360778, 11839833, 14967768, 15366237, 20514992, 20593190, 22584955, 23296137, 25064618, 25522698, 27803826). It has also been observed to segregate with disease in related individuals. ClinVar contains an entry for this variant (Variation ID: 13398). Advanced modeling of protein sequence and biophysical properties (such as structural, functional, and spatial information, amino acid conservation, physicochemical variation, residue mobility, and thermodynamic stability) performed at Invitae indicates that this missense variant is not expected to disrupt PRNP protein function with a negative predictive value of 80%. Experimental studies have shown that this missense change affects PRNP function (PMID: 9813003, 11756597, 17494694, 20139714, 21298055, 22072968, 22318125, 23132868, 23723004). For these reasons, this variant has been classified as Pathogenic.

Fulgent Genetics
Classification: Pathogenic for Inherited Creutzfeldt-Jakob disease; Gerstmann-Straussler-Scheinker syndrome; Kuru, susceptibility to; Fatal familial insomnia; Huntington disease-like 1; Spongiform encephalopathy with neuropsychiatric features. Last evaluated: 2024-05-01. Review status: criteria provided, single submitter. Criteria: ACMG Guidelines, 2015. Collection method: clinical testing. Allele origin: germline.

Revvity Omics, Revvity
Classification: Pathogenic. Last evaluated: 2023-10-13. Review status: criteria provided, single submitter. Criteria: ACMG Guidelines, 2015. Collection method: clinical testing. Allele origin: germline.

Blueprint Genetics
Classification: Pathogenic for PRNP-related disorders. Last evaluated: 2021-10-18. Review status: criteria provided, single submitter. Criteria: ACMG Guidelines, 2015. Collection method: clinical testing. Allele origin: germline. Affected: yes. Observed: 2 variant alleles.

CeGaT Center for Human Genetics Tuebingen
Classification: Pathogenic. Last evaluated: 2020-11-01. Review status: criteria provided, single submitter. Criteria: CeGaT Center For Human Genetics Tuebingen Variant Classification Criteria Version 2. Collection method: clinical testing. Allele origin: germline. Affected: yes. Observed: 1 variant allele.

ARUP Laboratories, Molecular Genetics and Genomics, ARUP Laboratories
Classification: Pathogenic. Last evaluated: 2020-06-11. Review status: criteria provided, single submitter. Criteria: ARUP Molecular Germline Variant Investigation Process. Collection method: clinical testing. Allele origin: germline.
Comment: The PRNP c.598G>A; p.Glu200Lys variant (rs28933385) is one of a limited-number of missense variants in PRNP definitively associated with familial Creutzfeldt-Jakob disease (fCJD) and is the identified in over 70% of fCJD cases worldwide (Lee 1999, Colombo 2000). First described in 1989, this variant was found to underlie the relatively high incidence of fCJD in individuals of Sephardic Jewish/Iberian ancestry; although it has been observed in other populations (selected references: Goldgaber 1989, Goldfarb 1991, Meiner 1997, Lee 1999). This variant is present on a single Latino chromosome in the Genome Aggregation Database, and is often be inherited from an asymptomatic parent. However, while the penetrance of this allele is age-dependent, it reaches 100% by age 80 (Minikel 2016). The precise molecular nature of how this variant imparts pathogenicity is not fully understood; nonetheless, functional studies have demonstrated that transgenic expression of the p.Glu200Lys variant in mice leads to the development of neurological and histological features of CJD similar to human patients (Friedman-Levi 2011). Based on these observations, this variant is considered pathogenic with age-dependent penetrance. References: Goldgaber D et al. Mutations in familial Creutzfeldt-Jakob disease and Gerstmann-StrÃ¤ussler-Scheinker's syndrome. Exp Neurol. 1989 Nov;106(2):204-6. Goldfarb LG et al. Creutzfeldt-Jacob disease associated with the PRNP codon 200Lys mutation: an analysis of 45 families. Eur J Epidemiol. 1991 Sep;7(5):477-86. Lee HS et al. Ancestral origins and worldwide distribution of the PRNP 200K mutation causing familial Creutzfeldt-Jakob disease. Am J Hum Genet. 1999 Apr;64(4):1063-70. Colombo R. Age and origin of the PRNP E200K mutation causing familial Creutzfeldt-Jacob disease in Libyan Jews. Am J Hum Genet. 2000 Aug;67(2):528-31. Meiner Z et al. Familial Creutzfeldt-Jakob disease. Codon 200 prion disease in Libyan Jews. Medicine (Baltimore). 1997 Jul;76(4):227-37. Minikel EV et al. Quantifying prion disease penetrance using large population control cohorts. Sci Transl Med. 2016 Jan 20;8(322):322ra9. Friedman-Levi Y et al. Fatal prion disease in a mouse model of genetic E200K Creutzfeldt-Jakob disease. PLoS Pathog. 2011 Nov;7(11):e1002350.

Mayo Clinic Laboratories, Mayo Clinic
Classification: Pathogenic. Last evaluated: 2019-05-06. Review status: criteria provided, single submitter. Criteria: ACMG Guidelines, 2015. Collection method: clinical testing. Allele origin: germline. Observed: 1 variant allele.
Comment: PS3, PM2, PS4_moderate, PP4, PP5